The following is an entry in ClinVar:

NM_001042424.3(NSD2):c.2899G>A (p.Ala967Thr)

Gene: NSD2 (nuclear receptor binding SET domain protein 2; plus strand). Cytogenetic location: 4p16.3.
Variant type: single nucleotide variant.
Coding change: c.2899G>A on transcript NM_001042424.3 (MANE Select); coding-DNA position 2899, G replaced by A.
Protein change: p.Ala967Thr; replaces alanine 967 with threonine.
Molecular consequence: missense variant.
Genome position (GRCh38, 1-based): chr4:1,957,950, G>A. VCF-style: chr4-1957950-G-A. GRCh37 (hg19) VCF-style: chr4-1959677-G-A.
Other names: c.2899G>A, p.Ala967Thr (NM_133330.3, NM_133331.3, NM_133335.4); short protein forms A967T.
Identifiers: ClinVar variation 3657862 (VCV003657862.2).

ClinVar aggregate classification (germline): Uncertain significance (1 of 4 stars; one submission).

gnomAD v4.1: 2 of 1,614,196 alleles (0.00012%); highest among the groups gnomAD compares: South Asian, 0.0022%; no homozygotes.

Submission:

Labcorp Genetics (formerly Invitae), Labcorp
Classification: Uncertain significance. Last evaluated: 2024-06-26. Review status: criteria provided, single submitter. Criteria: Invitae Variant Classification Sherloc (09022015). Collection method: clinical testing. Allele origin: germline.
Comment: This sequence change replaces alanine, which is neutral and non-polar, with threonine, which is neutral and polar, at codon 967 of the WHSC1 protein (p.Ala967Thr). This variant is present in population databases (rs746260679, gnomAD 0.003%). This variant has not been reported in the literature in individuals affected with WHSC1-related conditions. Advanced modeling of protein sequence and biophysical properties (such as structural, functional, and spatial information, amino acid conservation, physicochemical variation, residue mobility, and thermodynamic stability) performed at Invitae indicates that this missense variant is not expected to disrupt WHSC1 protein function with a negative predictive value of 80%. In summary, the available evidence is currently insufficient to determine the role of this variant in disease. Therefore, it has been classified as a Variant of Uncertain Significance.